The following is an entry in ClinVar:

NM_000338.3(SLC12A1):c.1998T>C (p.Asn666=)

Gene: SLC12A1 (solute carrier family 12 member 1; plus strand). Cytogenetic location: 15q21.1.
Variant type: single nucleotide variant.
Coding change: c.1998T>C on transcript NM_000338.3 (MANE Select); coding-DNA position 1998, T replaced by C.
Protein change: p.Asn666=; no amino-acid change (asparagine 666 retained).
Molecular consequence: synonymous variant.
Genome position (GRCh38, 1-based): chr15:48,255,866, T>C. VCF-style: chr15-48255866-T-C. GRCh37 (hg19) VCF-style: chr15-48548063-T-C.
Other names: p.Asn666=; c.1998T>C, p.Asn666= (NM_001184832.2).
Identifiers: ClinVar variation 64406 (VCV000064406.18), dbSNP rs200417237, ClinGen allele CA216074.
Genomic context (GRCh38, chr15:48,255,866, plus strand): 5'-CACAGATGTGAACTGGGGCTCCTCCACACAGGCTCTTTCCTACGTGAGTGCTTTAGACAA[T>C]GCTCTGGAATTAACCACAGTGGAAGACCACGTAAAAAACTTCAGGTAAAGCTGGTGTCTC-3'
Protein context (NP_000329.2, residues 656-676): QALSYVSALD[Asn666=]ALELTTVEDH

ClinVar aggregate classification (germline): Conflicting classifications of pathogenicity. Review status: criteria provided, conflicting classifications (1 of 4 stars). 5 submissions from 5 submitters: Uncertain significance (1); Benign (1); Likely benign (2). 1 of the submissions does not count toward it. Last evaluated 2026-01-21.

Conditions:
Bartter disease type 1. Also called: Bartter Syndrome type 1; HYPERPROSTAGLANDIN E SYNDROME 1; HYPOKALEMIC ALKALOSIS WITH HYPERCALCIURIA 1, ANTENATAL; Bartter syndrome, type 1, antenatal. Identifiers: Orphanet 112, Orphanet 620217, MedGen C1866495, MONDO:0100344, OMIM 601678, MONDO:0011127.

Allele frequency attached by ClinVar (database versions not stated): ESP Exome Variant Server 0.00008; 1000 Genomes Project 30x 0.00016; TOPMed 0.00017; gnomAD 0.00019 and 0.00020; 1000 Genomes Project 0.00020; gnomAD exomes 0.00025 and 0.00039; ExAC 0.00067.
gnomAD v4.1: 416 of 1,607,062 alleles (0.026%); highest among the groups gnomAD compares: Middle Eastern, 0.066%; no homozygotes.

Submissions (5):

Labcorp Genetics (formerly Invitae), Labcorp
Classification: Benign. Last evaluated: 2026-01-21. Review status: criteria provided, single submitter. Criteria: Invitae Variant Classification Sherloc (09022015). Collection method: clinical testing. Allele origin: germline.

Mayo Clinic Laboratories, Mayo Clinic
Classification: Likely benign. Last evaluated: 2024-12-23. Review status: criteria provided, single submitter. Criteria: ACMG Guidelines, 2015. Collection method: clinical testing. Allele origin: germline. Observed: 1 variant allele.
Comment: BS1, BP4, BP7

Blueprint Genetics
Classification: Likely benign. Last evaluated: 2024-10-24. Review status: criteria provided, single submitter. Criteria: ACMG Guidelines, 2015. Collection method: clinical testing. Allele origin: germline.

Illumina Laboratory Services, Illumina
Classification: Uncertain significance for Bartter disease type 1. Last evaluated: 2018-01-12. Review status: criteria provided, single submitter. Criteria: ICSL Variant Classification Criteria 13 December 2019. Collection method: clinical testing. Allele origin: germline.

Martin Pollak Laboratory,  Beth Israel Deaconess Medical Center
Classification: Uncertain significance. Review status: no assertion criteria provided. Collection method: not provided. Allele origin: unknown. Not counted in ClinVar's aggregate classification.
Comment: Lower and higher UCa2+ groups
ClinVar note: Converted during submission from unknown to Uncertain significance.